The following is an entry in ClinVar:

ClinVar aggregate classification (germline): Uncertain significance. Review status: criteria provided, multiple submitters, no conflicts (2 of 4 stars). 3 submissions from 3 submitters: Uncertain significance (3). Last evaluated 2025-04-28.

Conditions:
Progressive microcephaly-seizures-cortical blindness-developmental delay syndrome. Also called: Seizures, cortical blindness, and microcephaly syndrome. Identifiers: Orphanet 477814, MedGen C5567650, MONDO:0014714, OMIM 616632.
Autosomal dominant nonsyndromic hearing loss 1. Also called: KONIGSMARK SYNDROME; DEAFNESS, AUTOSOMAL DOMINANT 1, WITH OR WITHOUT THROMBOCYTOPENIA. Identifiers: Orphanet 90635, MedGen C1852282, MONDO:0007424, OMIM 124900.
Inborn genetic diseases. Identifiers: MedGen C0950123, MeSH D030342.

gnomAD v4.1: 44 of 1,528,832 alleles (0.0029%); highest among the groups gnomAD compares: Middle Eastern, 0.017%; no homozygotes.

Submissions (3):

GeneDx
Classification: Uncertain significance. Last evaluated: 2025-04-28. Review status: criteria provided, single submitter. Criteria: GeneDx Variant Classification Process June 2021. Collection method: clinical testing. Allele origin: germline. Affected: yes.
Comment: In silico analysis indicates that this missense variant does not alter protein structure/function; Has not been previously published as pathogenic or benign to our knowledge

Labcorp Genetics (formerly Invitae), Labcorp
Classification: Uncertain significance for Progressive microcephaly-seizures-cortical blindness-developmental delay syndrome; Autosomal dominant nonsyndromic hearing loss 1. Last evaluated: 2025-03-07. Review status: criteria provided, single submitter. Criteria: Invitae Variant Classification Sherloc (09022015). Collection method: clinical testing. Allele origin: germline.
Comment: This sequence change replaces proline, which is neutral and non-polar, with glutamine, which is neutral and polar, at codon 703 of the DIAPH1 protein (p.Pro703Gln). The frequency data for this variant in the population databases is considered unreliable, as metrics indicate poor data quality at this position in the gnomAD database. This variant has not been reported in the literature in individuals affected with DIAPH1-related conditions. ClinVar contains an entry for this variant (Variation ID: 2931082). Experimental studies and prediction algorithms are not available or were not evaluated, and the functional significance of this variant is currently unknown. In summary, the available evidence is currently insufficient to determine the role of this variant in disease. Therefore, it has been classified as a Variant of Uncertain Significance.

Ambry Genetics
Classification: Uncertain significance for Inborn genetic diseases. Last evaluated: 2023-11-09. Review status: criteria provided, single submitter. Criteria: Ambry Variant Classification Scheme 2023. Collection method: clinical testing. Allele origin: germline.

NM_005219.5(DIAPH1):c.2108C>A (p.Pro703Gln)

Gene: DIAPH1 (diaphanous related formin 1; minus strand). Cytogenetic location: 5q31.3.
Variant type: single nucleotide variant.
Coding change: c.2108C>A on transcript NM_005219.5 (MANE Select); coding-DNA position 2108, C replaced by A.
Protein change: p.Pro703Gln; replaces proline 703 with glutamine.
Molecular consequence: missense variant.
Genome position (GRCh38, 1-based): chr5:141,573,742, G>T on the plus strand (C>A on the coding strand, the complement: DIAPH1 is on the minus strand). VCF-style: chr5-141573742-G-T. GRCh37 (hg19) VCF-style: chr5-140953309-G-T.
Other names: c.2108C>A (NM_005219.4); c.2081C>A, p.Pro694Gln (NM_001079812.3); c.2108C>A, p.Pro703Gln (NM_001314007.2); short protein forms P694Q, P703Q.
Identifiers: ClinVar variation 2931082 (VCV002931082.5), dbSNP rs762356974, ClinGen allele CA3479155.